The following is an entry in ClinVar:

NM_005566.4(LDHA):c.183G>A (p.Glu61=)

Gene: LDHA (lactate dehydrogenase A; plus strand). Cytogenetic location: 11p15.1.
Variant type: single nucleotide variant.
Coding change: c.183G>A on transcript NM_005566.4 (MANE Select); coding-DNA position 183, G replaced by A.
Protein change: p.Glu61=; no amino-acid change (glutamic acid 61 retained).
Molecular consequence: synonymous variant.
Genome position (GRCh38, 1-based): chr11:18,399,487, G>A. VCF-style: chr11-18399487-G-A. GRCh37 (hg19) VCF-style: chr11-18421034-G-A.
Other names: c.183G>A, p.Glu61= (NM_001135239.2, NM_001165415.2, NM_001165416.2); c.270G>A, p.Glu90= (NM_001165414.2).
Identifiers: ClinVar variation 386298 (VCV000386298.13), dbSNP rs149588992, ClinGen allele CA5911213.

ClinVar aggregate classification (germline): Conflicting classifications of pathogenicity. Review status: criteria provided, conflicting classifications (1 of 4 stars). 4 submissions from 4 submitters: Uncertain significance (1); Benign (1); Likely benign (2). Last evaluated 2026-01-17.

Conditions:
Glycogen storage disease due to lactate dehydrogenase M-subunit deficiency (GSD11). Also called: Glycogen storage disease XI; GSD XI; LACTATE DEHYDROGENASE A DEFICIENCY. Identifiers: Orphanet 284426, MedGen C2931743, MONDO:0013047, OMIM 612933.

Allele frequency attached by ClinVar (database versions not stated): gnomAD exomes 0.00009 and 0.00025; ExAC 0.00028; 1000 Genomes Project 30x 0.00078; 1000 Genomes Project 0.00100; gnomAD 0.00104 and 0.00113; TOPMed 0.00131; ESP Exome Variant Server 0.00139.
gnomAD v4.1: 307 of 1,613,666 alleles (0.019%); highest among the groups gnomAD compares: African/African-American, 0.35%; 1 homozygote.

Submissions (4):

Labcorp Genetics (formerly Invitae), Labcorp
Classification: Benign for Glycogen storage disease due to lactate dehydrogenase M-subunit deficiency. Last evaluated: 2026-01-17. Review status: criteria provided, single submitter. Criteria: Invitae Variant Classification Sherloc (09022015). Collection method: clinical testing. Allele origin: germline.

Blueprint Genetics
Classification: Likely benign. Last evaluated: 2024-11-27. Review status: criteria provided, single submitter. Criteria: ACMG Guidelines, 2015. Collection method: clinical testing. Allele origin: germline.

Illumina Laboratory Services, Illumina
Classification: Uncertain significance for Glycogen storage disease due to lactate dehydrogenase M-subunit deficiency. Last evaluated: 2018-01-13. Review status: criteria provided, single submitter. Criteria: ICSL Variant Classification Criteria 13 December 2019. Collection method: clinical testing. Allele origin: germline.

GeneDx
Classification: Likely benign. Last evaluated: 2017-03-13. Review status: criteria provided, single submitter. Criteria: GeneDx Variant Classification (06012015). Collection method: clinical testing. Allele origin: germline. Affected: yes.
Comment: This variant is considered likely benign or benign based on one or more of the following criteria: it is a conservative change, it occurs at a poorly conserved position in the protein, it is predicted to be benign by multiple in silico algorithms, and/or has population frequency not consistent with disease.